The following is an entry in ClinVar:

NM_001308210.2(TSHZ1):c.2753T>C (p.Met918Thr)

Gene: TSHZ1 (teashirt zinc finger homeobox 1; plus strand). Cytogenetic location: 18q22.3.
Variant type: single nucleotide variant.
Coding change: c.2753T>C on transcript NM_001308210.2 (MANE Select); coding-DNA position 2753, T replaced by C.
Protein change: p.Met918Thr; replaces methionine 918 with threonine.
Molecular consequence: missense variant.
Genome position (GRCh38, 1-based): chr18:75,288,160, T>C. VCF-style: chr18-75288160-T-C. GRCh37 (hg19) VCF-style: chr18-73000115-T-C.
Other names: c.2618T>C, p.Met873Thr (NM_005786.6); short protein forms M873T, M918T.
Identifiers: ClinVar variation 1098620 (VCV001098620.1), dbSNP rs754333350, ClinGen allele CA9002356.

ClinVar aggregate classification (germline): Uncertain significance (1 of 4 stars; one submission).

Conditions:
Aural atresia, congenital (CAA). Also called: AURAL ATRESIA, CONGENITAL, WITH HYPOSMIA. Identifiers: MedGen C1842937, MONDO:0011921, OMIM 607842.

Allele frequency attached by ClinVar (database versions not stated): ExAC 0.00001; gnomAD 0.00001; gnomAD exomes 0.00001 and 0.00002.
gnomAD v4.1: 10 of 1,614,016 alleles (0.00062%); highest among the groups gnomAD compares: South Asian, 0.0066%; no homozygotes.

Submission:

New York Genome Center
Classification: Uncertain significance for Aural atresia, congenital. Last evaluated: 2020-07-09. Review status: criteria provided, single submitter. Criteria: NYGC Assertion Criteria 2020. Collection method: clinical testing. Allele origin: inherited. Observed: 1 heterozygote. Study: CSER-NYCKidSeq.
Comment: The inherited heterozygous p.Met918Thr missense variant identified in the TSHZ1 gene has 0.0000069 allele frequency in the gnomAD(v3) database [1 out of 143,292 heterozygous alleles] indicating it is an extremely rare allele in the populations represented in gnomAD(v3). The affected residue is moderately conserved. In Silico prediction tools show conflicting interpretations about potential pathogenicity of this variant. Based on the current evidence, the inherited heterozygous p.Met918Thr missense variant identified in the TSHZ1 gene is assessed as a variant of uncertain significance.